The following is an entry in ClinVar:

ClinVar aggregate classification (germline): Uncertain significance (1 of 4 stars; one submission).

Submission:

GeneDx
Classification: Uncertain significance. Last evaluated: 2024-07-08. Review status: criteria provided, single submitter. Criteria: GeneDx Variant Classification Process June 2021. Collection method: clinical testing. Allele origin: germline. Affected: yes.
Comment: Not observed at significant frequency in large population cohorts (gnomAD); In silico analysis supports that this missense variant has a deleterious effect on protein structure/function; Has not been previously published as pathogenic or benign to our knowledge; Not located in one of the three hot-spot regions of the RYR2 gene, where the majority of pathogenic missense variants occur (PMID: 19926015); This variant is associated with the following publications: (PMID: 19926015)

NM_001035.3(RYR2):c.1712T>C (p.Ile571Thr)

Gene: RYR2 (ryanodine receptor 2; plus strand). Cytogenetic location: 1q43.
Variant type: single nucleotide variant.
Coding change: c.1712T>C on transcript NM_001035.3 (MANE Select); coding-DNA position 1712, T replaced by C.
Protein change: p.Ile571Thr; replaces isoleucine 571 with threonine.
Molecular consequence: missense variant.
Genome position (GRCh38, 1-based): chr1:237,491,809, T>C. VCF-style: chr1-237491809-T-C. GRCh37 (hg19) VCF-style: chr1-237655109-T-C.
Other names: short protein forms I571T.
Identifiers: ClinVar variation 3572681 (VCV003572681.1).